The following is an entry in ClinVar:

ClinVar aggregate classification (germline): Likely benign. Review status: criteria provided, multiple submitters, no conflicts (2 of 4 stars). 4 submissions from 4 submitters: Likely benign (4). Last evaluated 2026-08-13.

Conditions:
MBD5-related disorder. Also called: MBD5-related condition.
Inborn genetic diseases. Identifiers: MedGen C0950123, MeSH D030342.
Intellectual developmental disorder, autosomal dominant 1. Also called: Intellectual disability, autosomal dominant 1; MBD5 Haploinsufficiency. Identifiers: Orphanet 228402, MedGen C1969562, MONDO:0007974, OMIM 156200.

Allele frequency attached by ClinVar (database versions not stated): gnomAD 0.00029; TOPMed 0.00030; 1000 Genomes Project 30x 0.00031; ESP Exome Variant Server 0.00031.
gnomAD v4.1: 99 of 1,613,958 alleles (0.0061%); highest among the groups gnomAD compares: African/African-American, 0.096%; no homozygotes.

Submissions (4):

PreventionGenetics, part of Exact Sciences
Classification: Likely benign for MBD5-related condition. Last evaluated: 2026-08-13. Review status: criteria provided, single submitter. Criteria: ACMG Guidelines, 2015. Collection method: clinical testing. Allele origin: germline.
Comment: This variant is classified as likely benign based on ACMG/AMP sequence variant interpretation guidelines (Richards et al. 2015 PMID: 25741868, with internal and published modifications).

Labcorp Genetics (formerly Invitae), Labcorp
Classification: Likely benign for Intellectual developmental disorder, autosomal dominant 1. Last evaluated: 2026-01-30. Review status: criteria provided, single submitter. Criteria: Invitae Variant Classification Sherloc (09022015). Collection method: clinical testing. Allele origin: germline.

Ambry Genetics
Classification: Likely benign for Inborn genetic diseases. Last evaluated: 2024-05-15. Review status: criteria provided, single submitter. Criteria: Ambry Variant Classification Scheme 2023. Collection method: clinical testing. Allele origin: germline.

GeneDx
Classification: Likely benign. Last evaluated: 2020-09-28. Review status: criteria provided, single submitter. Criteria: GeneDx Variant Classification Process June 2021. Collection method: clinical testing. Allele origin: germline. Affected: yes.
Comment: This variant is associated with the following publications: (PMID: 17847001)

NM_001378120.1(MBD5):c.1961A>T (p.Asp654Val)

Gene: MBD5 (methyl-CpG binding domain protein 5; plus strand). Cytogenetic location: 2q23.1.
Variant type: single nucleotide variant.
Coding change: c.1961A>T on transcript NM_001378120.1 (MANE Select); coding-DNA position 1961, A replaced by T.
Protein change: p.Asp654Val; replaces aspartic acid 654 with valine.
Molecular consequence: missense variant.
Genome position (GRCh38, 1-based): chr2:148,469,904, A>T. VCF-style: chr2-148469904-A-T. GRCh37 (hg19) VCF-style: chr2-149227473-A-T.
Other names: p.D654V:GAC>GTC; c.1961A>T, p.Asp654Val (NM_018328.5); short protein forms D654V.
Identifiers: ClinVar variation 206075 (VCV000206075.15), dbSNP rs115495710, ClinGen allele CA315806.